The following is an entry in ClinVar:

NM_053025.4(MYLK):c.2938dup (p.Asp980fs)

Gene: MYLK (myosin light chain kinase; minus strand). Cytogenetic location: 3q21.1.
Variant type: Duplication.
Coding change: c.2938dup on transcript NM_053025.4 (MANE Select); coding-DNA position 2938, one base duplicated (G; older notation c.2938dupG).
Protein change: p.Asp980fs; shifts the reading frame from aspartic acid 980.
Molecular consequence: frameshift variant.
Genome position (GRCh38, 1-based): chr3:123,700,530, C duplicated on the plus strand (G on the coding strand, the reverse complement: MYLK is on the minus strand); the first of 2 consecutive C bases (chr3:123,700,530-123,700,531); duplicating either gives the same sequence. VCF-style (leftmost placement, unchanged base first): chr3-123700529-T-TC. GRCh37 (hg19) VCF-style: chr3-123419376-T-TC.
Other names: p.Asp980GlyfsX54; c.2410dup, p.Asp804fs (NM_001321309.2); c.2731dup, p.Asp911fs (NM_053026.4, NM_053028.4); c.2938dup, p.Asp980fs (NM_053027.4); short protein forms D804fs, D980fs, D911fs.
Identifiers: ClinVar variation 403213 (VCV000403213.4), dbSNP rs1553803719, ClinGen allele CA16609794.

ClinVar aggregate classification (germline): Uncertain significance (1 of 4 stars; one submission).

Submission:

Laboratory for Molecular Medicine, Mass General Brigham Personalized Medicine
Classification: Uncertain significance. Last evaluated: 2016-08-12. Review status: criteria provided, single submitter. Criteria: LMM Criteria. Collection method: clinical testing. Allele origin: germline.
Comment: Variant identified in a genome or exome case(s) and assessed due to predicted null impact of the variant or pathogenic assertions in the literature or databases. Disclaimer: This variant has not undergone full assessment. The following are preliminary notes: LOF not an established disease mechanism for this gene.